The following is an entry in ClinVar:

ClinVar aggregate classification (germline): Uncertain significance (1 of 4 stars; one submission).

Conditions:
Spastic paraplegia. Identifiers: MedGen C0037772, HP:0001258.

gnomAD v4.1: 19 of 1,211,165 alleles (0.0016%); highest among the groups gnomAD compares: Non-Finnish European, 0.0021%; no homozygotes.

Submission:

Labcorp Genetics (formerly Invitae), Labcorp
Classification: Uncertain significance for Spastic paraplegia. Last evaluated: 2024-09-14. Review status: criteria provided, single submitter. Criteria: Invitae Variant Classification Sherloc (09022015). Collection method: clinical testing. Allele origin: germline.
Comment: This sequence change replaces glutamine, which is neutral and polar, with arginine, which is basic and polar, at codon 502 of the SLC16A2 protein (p.Gln502Arg). This variant is not present in population databases (gnomAD no frequency). This variant has not been reported in the literature in individuals affected with SLC16A2-related conditions. ClinVar contains an entry for this variant (Variation ID: 1895824). Invitae Evidence Modeling of protein sequence and biophysical properties (such as structural, functional, and spatial information, amino acid conservation, physicochemical variation, residue mobility, and thermodynamic stability) indicates that this missense variant is not expected to disrupt SLC16A2 protein function with a negative predictive value of 80%. In summary, the available evidence is currently insufficient to determine the role of this variant in disease. Therefore, it has been classified as a Variant of Uncertain Significance.

NM_006517.5(SLC16A2):c.1505A>G (p.Gln502Arg)

Gene: SLC16A2 (solute carrier family 16 member 2; plus strand). Cytogenetic location: Xq13.2.
Variant type: single nucleotide variant.
Coding change: c.1505A>G on transcript NM_006517.5 (MANE Select); coding-DNA position 1505, A replaced by G.
Protein change: p.Gln502Arg; replaces glutamine 502 with arginine.
Molecular consequence: missense variant.
Genome position (GRCh38, 1-based): chrX:74,531,438, A>G. VCF-style: chrX-74531438-A-G. GRCh37 (hg19) VCF-style: chrX-73751273-A-G.
Other names: short protein forms Q502R.
Identifiers: ClinVar variation 1895824 (VCV001895824.5), dbSNP rs781528210, ClinGen allele CA413659093.